The following is an entry in ClinVar:

ClinVar aggregate classification (germline): Uncertain significance. Review status: criteria provided, multiple submitters, no conflicts (2 of 4 stars). 2 submissions from 2 submitters: Uncertain significance (2). Last evaluated 2024-03-08.

Conditions:
Familial thoracic aortic aneurysm and aortic dissection (TAAD). Also called: Thoracic aortic aneurysms and dissections. Identifiers: Orphanet 91387, MedGen C4707243, MONDO:0019625.

Submissions (2):

GeneDx
Classification: Uncertain significance. Last evaluated: 2024-03-08. Review status: criteria provided, single submitter. Criteria: GeneDx Variant Classification Process June 2021. Collection method: clinical testing. Allele origin: germline. Affected: yes.
Comment: Not observed at significant frequency in large population cohorts (gnomAD); In silico analysis supports that this missense variant has a deleterious effect on protein structure/function; Has not been previously published as pathogenic or benign to our knowledge

Ambry Genetics
Classification: Uncertain significance for Familial thoracic aortic aneurysm and aortic dissection. Last evaluated: 2023-05-26. Review status: criteria provided, single submitter. Criteria: Ambry Variant Classification Scheme 2023. Collection method: clinical testing. Allele origin: germline.
Comment: The p.R1273L variant (also known as c.3818G>T), located in coding exon 27 of the MYH11 gene, results from a G to T substitution at nucleotide position 3818. The arginine at codon 1273 is replaced by leucine, an amino acid with dissimilar properties. This amino acid position is conserved. In addition, the in silico prediction for this alteration is inconclusive. Since supporting evidence is limited at this time, the clinical significance of this alteration remains unclear.

NM_002474.3(MYH11):c.3818G>T (p.Arg1273Leu)

Gene: MYH11 (myosin heavy chain 11; minus strand). Cytogenetic location: 16p13.11.
Variant type: single nucleotide variant.
Coding change: c.3818G>T on transcript NM_002474.3 (MANE Select); coding-DNA position 3818, G replaced by T.
Protein change: p.Arg1273Leu; replaces arginine 1273 with leucine.
Molecular consequence: missense variant.
Genome position (GRCh38, 1-based): chr16:15,726,888, C>A on the plus strand (G>T on the coding strand, the complement: MYH11 is on the minus strand). VCF-style: chr16-15726888-C-A. GRCh37 (hg19) VCF-style: chr16-15820745-C-A.
Other names: c.3839G>T, p.Arg1280Leu (NM_001040113.2, NM_001040114.2); c.3818G>T, p.Arg1273Leu (NM_022844.3); short protein forms R1280L, R1273L.
Identifiers: ClinVar variation 2560414 (VCV002560414.3), dbSNP rs1473608237, ClinGen allele CA394860000.